The following is an entry in ClinVar:

NM_018714.3(COG1):c.2840C>T (p.Pro947Leu)

Genes: VCF1 (VCP nuclear cofactor family member 1; minus strand), COG1 (component of oligomeric golgi complex 1; plus strand). Cytogenetic location: 17q25.1.
Variant type: single nucleotide variant.
Coding change: c.2840C>T on transcript NM_018714.3 (MANE Select); coding-DNA position 2840, C replaced by T.
Protein change: p.Pro947Leu; replaces proline 947 with leucine.
Molecular consequence: missense variant. On other transcripts: 3 prime UTR variant (5).
Genome position (GRCh38, 1-based): chr17:73,208,348, C>T. VCF-style: chr17-73208348-C-T. GRCh37 (hg19) VCF-style: chr17-71204487-C-T.
Other names: c.*1181G>A (NM_001098832.2, NM_001289412.2, NM_032837.3); c.*1330G>A (NM_001289410.1, NM_001289411.1); short protein forms P947L.
Identifiers: ClinVar variation 1361356 (VCV001361356.8), dbSNP rs755921036, ClinGen allele CA8740683.

ClinVar aggregate classification (germline): Uncertain significance (1 of 4 stars; one submission).

Conditions:
COG1 congenital disorder of glycosylation (CDG2G). Also called: CONGENITAL DISORDER OF GLYCOSYLATION, TYPE IIg; CDG IIg; CDGII/COG1 CEREBROCOSTOMANDIBULAR-LIKE SYNDROME. Identifiers: Orphanet 263508, MedGen C2931011, MONDO:0012637, OMIM 611209.

Allele frequency attached by ClinVar (database versions not stated): gnomAD exomes below 0.00001; ExAC 0.00001.
gnomAD v4.1: 6 of 1,614,082 alleles (0.00037%); highest among the groups gnomAD compares: African/African-American, 0.0013%; no homozygotes.

Submission:

Labcorp Genetics (formerly Invitae), Labcorp
Classification: Uncertain significance for COG1 congenital disorder of glycosylation. Last evaluated: 2025-03-17. Review status: criteria provided, single submitter. Criteria: Invitae Variant Classification Sherloc (09022015). Collection method: clinical testing. Allele origin: germline.
Comment: This sequence change replaces proline, which is neutral and non-polar, with leucine, which is neutral and non-polar, at codon 947 of the COG1 protein (p.Pro947Leu). This variant is present in population databases (rs755921036, gnomAD 0.0009%). This variant has not been reported in the literature in individuals affected with COG1-related conditions. ClinVar contains an entry for this variant (Variation ID: 1361356). An algorithm developed to predict the effect of missense changes on protein structure and function outputs the following: PolyPhen-2: "Benign". The leucine amino acid residue is found in multiple mammalian species, which suggests that this missense change does not adversely affect protein function. Algorithms developed to predict the effect of sequence changes on RNA splicing suggest that this variant may disrupt the consensus splice site. In summary, the available evidence is currently insufficient to determine the role of this variant in disease. Therefore, it has been classified as a Variant of Uncertain Significance.